The following is an entry in ClinVar:

ClinVar aggregate classification (germline): Pathogenic. Review status: criteria provided, multiple submitters, no conflicts (2 of 4 stars). 2 submissions from 2 submitters: Pathogenic (2). Last evaluated 2025-12-16.

Conditions:
Hereditary cancer-predisposing syndrome. Also called: Hereditary Cancer Syndrome; Neoplastic Syndromes, Hereditary; Tumor predisposition; Hereditary neoplastic syndrome. Identifiers: Orphanet 140162, MedGen C0027672, MeSH D009386, MONDO:0015356.
Hereditary breast ovarian cancer syndrome. Also called: Breast and ovarian cancer; Hereditary breast and ovarian cancer; Hereditary breast and/or ovarian cancer syndrome; BRCA1- and BRCA2-Associated Hereditary Breast and Ovarian Cancer; Hereditary breast and ovarian cancer syndrome (HBOC); Hereditary breast and ovarian cancer syndrome. Identifiers: Orphanet 145, MedGen C0677776, MeSH D061325, MONDO:0003582. Disease mechanism: loss of function.

Submissions (2):

Women's Health and Genetics/Laboratory Corporation of America, LabCorp
Classification: Pathogenic for Hereditary breast ovarian cancer syndrome. Last evaluated: 2025-12-16. Review status: criteria provided, single submitter. Criteria: LabCorp Variant Classification Summary - May 2015. Collection method: clinical testing. Allele origin: germline.
Comment: Variant summary: BRCA2 c.4911delT (p.Val1639TyrfsX5) results in a premature termination codon, predicted to cause a truncation of the encoded protein or absence of the protein due to nonsense mediated decay, which are commonly known mechanisms for disease. The variant was absent in 248710 control chromosomes. To our knowledge, no occurrence of c.4911delT in individuals affected with BRCA2-related conditions and no experimental evidence demonstrating its impact on protein function have been reported. ClinVar contains an entry for this variant (Variation ID: 1744058). Based on the evidence outlined above, the variant was classified as pathogenic.

Ambry Genetics
Classification: Pathogenic for Hereditary cancer-predisposing syndrome. Last evaluated: 2025-12-11. Review status: criteria provided, single submitter. Criteria: Ambry Variant Classification Scheme 2023. Collection method: clinical testing. Allele origin: germline.
Comment: The c.4911delT pathogenic mutation, located in coding exon 10 of the BRCA2 gene, results from a deletion of one nucleotide at nucleotide position 4911, causing a translational frameshift with a predicted alternate stop codon (p.V1639Yfs*5). This variant is considered to be rare based on population cohorts in the Genome Aggregation Database (gnomAD). This alteration is expected to result in loss of function by premature protein truncation or nonsense-mediated mRNA decay. As such, this alteration is interpreted as a disease-causing mutation.

NM_000059.4(BRCA2):c.4911del (p.Val1639fs)

Gene: BRCA2 (BRCA2 DNA repair associated; plus strand). Cytogenetic location: 13q13.1.
Variant type: Deletion.
Coding change: c.4911del on transcript NM_000059.4 (MANE Select); coding-DNA position 4911, one base deleted (T; older notation c.4911delT).
Protein change: p.Val1639fs; shifts the reading frame from valine 1639.
Molecular consequence: frameshift variant.
Genome position (GRCh38, 1-based): chr13:32,339,266, T deleted; the last of 2 consecutive T bases (chr13:32,339,265-32,339,266); deleting either gives the same sequence. VCF-style (leftmost placement, unchanged base first): chr13-32339264-GT-G. GRCh37 (hg19) VCF-style: chr13-32913401-GT-G.
Other names: c.4911delT, p.Val1639Tyrfs (NM_001406719.1, NM_001406720.1); c.4911delT (NM_000059.4); short protein forms V1639fs.
Identifiers: ClinVar variation 1744058 (VCV001744058.4), dbSNP rs2548529575, ClinGen allele CA2580087318.
Genomic context (GRCh38, chr13:32,339,264, plus strand): 5'-AGTGATAATTTATGTAGACAAACTGAAAATCTCAAAACATCAAAAAGTATCTTTTTGAAA[GT>G]TAAAGTACATGAAAATGTAGAAAAAGAAACAGCAAAAAGTCCTGCAACTTGTTACACAAA-3'